The following is an entry in ClinVar:

NM_006268.5(DPF2):c.760T>A (p.Ser254Thr)

Gene: DPF2 (double PHD fingers 2; plus strand). Cytogenetic location: 11q13.1.
Variant type: single nucleotide variant.
Coding change: c.760T>A on transcript NM_006268.5 (MANE Select); coding-DNA position 760, T replaced by A.
Protein change: p.Ser254Thr; replaces serine 254 with threonine.
Molecular consequence: missense variant.
Genome position (GRCh38, 1-based): chr11:65,345,788, T>A. VCF-style: chr11-65345788-T-A. GRCh37 (hg19) VCF-style: chr11-65113259-T-A.
Other names: c.802T>A, p.Ser268Thr (NM_001330308.2); short protein forms S254T, S268T.
Identifiers: ClinVar variation 2504822 (VCV002504822.1), dbSNP rs2495405311, ClinGen allele CA381254049.
Genomic context (GRCh38, chr11:65,345,788, plus strand): 5'-GCTGAGGAGGAGGGCGAGGACAAGGAAGACTCTCAACCACCCACTCCTGTTTCCCAGAGG[T>A]CTGAGGAGCAGAAATGTAAGCTGAGGTGTCAGAAGTGGTGGGCAAGCAGAAGTTGGCCTG-3'
Protein context (NP_006259.1, residues 244-264): SQPPTPVSQR[Ser254Thr]EEQKSKKGPD

ClinVar aggregate classification (germline): Uncertain significance (1 of 4 stars; one submission).

Submission:

GeneDx
Classification: Uncertain significance. Last evaluated: 2022-12-08. Review status: criteria provided, single submitter. Criteria: GeneDx Variant Classification Process June 2021. Collection method: clinical testing. Allele origin: germline. Affected: yes.
Comment: Not observed at significant frequency in large population cohorts (gnomAD); In silico analysis supports that this missense variant does not alter protein structure/function; In silico analysis is inconclusive as to whether the variant alters gene splicing. In the absence of RNA/functional studies, the actual effect of this sequence change is unknown.; Has not been previously published as pathogenic or benign to our knowledge